The following is an entry in ClinVar:

NM_000059.4(BRCA2):c.8009C>A (p.Ser2670Ter)

Gene: BRCA2 (BRCA2 DNA repair associated; plus strand). Cytogenetic location: 13q13.1.
Variant type: single nucleotide variant.
Coding change: c.8009C>A on transcript NM_000059.4 (MANE Select); coding-DNA position 8009, C replaced by A.
Protein change: p.Ser2670Ter; replaces serine 2670 with a stop codon.
Molecular consequence: nonsense.
Genome position (GRCh38, 1-based): chr13:32,363,211, C>A. VCF-style: chr13-32363211-C-A. GRCh37 (hg19) VCF-style: chr13-32937348-C-A.
Other names: 8237C>A-Ser2670ter; short protein forms S2670*.
Identifiers: ClinVar variation 52470 (VCV000052470.18), dbSNP rs80359035, ClinGen allele CA025400.

ClinVar aggregate classification (germline): Pathogenic. Review status: reviewed by expert panel (3 of 4 stars). 7 submissions from 7 submitters: Pathogenic (1). 6 of the submissions do not count toward it. Last evaluated 2016-10-18.

Conditions:
Hereditary cancer-predisposing syndrome. Also called: Neoplastic Syndromes, Hereditary; Hereditary neoplastic syndrome; Tumor predisposition; Hereditary Cancer Syndrome. Identifiers: Orphanet 140162, MedGen C0027672, MeSH D009386, MONDO:0015356.
Hereditary breast ovarian cancer syndrome. Also called: Hereditary breast and/or ovarian cancer syndrome; Hereditary breast and ovarian cancer; Hereditary breast and ovarian cancer syndrome (HBOC); Breast and ovarian cancer; BRCA1- and BRCA2-Associated Hereditary Breast and Ovarian Cancer; Hereditary breast and ovarian cancer syndrome. Identifiers: Orphanet 145, MedGen C0677776, MeSH D061325, MONDO:0003582. Disease mechanism: loss of function.
Breast-ovarian cancer, familial, susceptibility to, 2 (BROVCA2). Also called: BRCA2 Hereditary Breast and Ovarian Cancer. Identifiers: Orphanet 145, MedGen C2675520, MONDO:0012933, OMIM 612555. Disease mechanism: loss of function.

Submissions (7):

Evidence-based Network for the Interpretation of Germline Mutant Alleles (ENIGMA)
Classification: Pathogenic for Breast-ovarian cancer, familial, susceptibility to, 2. Last evaluated: 2016-10-18. Review status: reviewed by expert panel. Criteria: ENIGMA BRCA1/2 Classification Criteria (2015). Collection method: curation. Allele origin: germline.
Comment: Variant allele predicted to encode a truncated non-functional protein.

Ambry Genetics
Classification: Pathogenic for Hereditary cancer-predisposing syndrome. Last evaluated: 2026-05-08. Review status: criteria provided, single submitter. Criteria: Ambry Variant Classification Scheme 2023. Collection method: clinical testing. Allele origin: germline. Not counted in ClinVar's aggregate classification.
Comment: The p.S2670* pathogenic mutation (also known as c.8009C>A), located in coding exon 17 of the BRCA2 gene, results from a C to A substitution at nucleotide position 8009. This changes the amino acid from a serine to a stop codon within coding exon 17. This variant is considered to be rare based on population cohorts in the Genome Aggregation Database (gnomAD). This variant is expected to result in loss of function by premature protein truncation or nonsense-mediated mRNA decay. As such, this variant is interpreted as a disease-causing mutation.

Labcorp Genetics (formerly Invitae), Labcorp
Classification: Pathogenic for Hereditary breast ovarian cancer syndrome. Last evaluated: 2024-04-17. Review status: criteria provided, single submitter. Criteria: Invitae Variant Classification Sherloc (09022015). Collection method: clinical testing. Allele origin: germline. Not counted in ClinVar's aggregate classification.
Comment: This sequence change creates a premature translational stop signal (p.Ser2670*) in the BRCA2 gene. It is expected to result in an absent or disrupted protein product. Loss-of-function variants in BRCA2 are known to be pathogenic (PMID: 20104584). This variant is not present in population databases (gnomAD no frequency). This premature translational stop signal has been observed in individual(s) with breast cancer (PMID: 16528604). ClinVar contains an entry for this variant (Variation ID: 52470). Studies have shown that this premature translational stop signal alters mRNA splicing and is expected to lead to the loss of protein expression (PMID: 28339459). For these reasons, this variant has been classified as Pathogenic.

Quest Diagnostics Nichols Institute San Juan Capistrano
Classification: Pathogenic for Breast-ovarian cancer, familial, susceptibility to, 2. Last evaluated: 2016-02-27. Review status: criteria provided, single submitter. Criteria: Quest Diagnostics criteria. Collection method: clinical testing. Allele origin: germline. Inheritance: Autosomal dominant inheritance. Not counted in ClinVar's aggregate classification.

Consortium of Investigators of Modifiers of BRCA1/2 (CIMBA), c/o University of Cambridge
Classification: Pathogenic for Breast-ovarian cancer, familial, susceptibility to, 2. Last evaluated: 2015-10-02. Review status: criteria provided, single submitter. Criteria: CIMBA Mutation Classification guidelines May 2016. Collection method: clinical testing. Allele origin: germline. Not counted in ClinVar's aggregate classification.

Research Molecular Genetics Laboratory, Women's College Hospital, University of Toronto
Classification: Pathogenic for Hereditary breast ovarian cancer syndrome. Last evaluated: 2014-01-31. Review status: no assertion criteria provided. Collection method: research. Allele origin: germline. Affected: yes. Study: The Canadian Open Genetics Repository (COGR). Not counted in ClinVar's aggregate classification.

Sharing Clinical Reports Project (SCRP)
Classification: Pathogenic for Breast-ovarian cancer, familial 2. Last evaluated: 2006-10-30. Review status: no assertion criteria provided. Collection method: clinical testing. Allele origin: germline. Not counted in ClinVar's aggregate classification.

Literature cited by the submitters: PubMed 20104584 (cited by Labcorp Genetics (formerly Invitae), Labcorp); PubMed 16528604 (cited by Labcorp Genetics (formerly Invitae), Labcorp and Quest Diagnostics Nichols Institute San Juan Capistrano); PubMed 28339459 (cited by Labcorp Genetics (formerly Invitae), Labcorp); PubMed 16170354 (cited by Quest Diagnostics Nichols Institute San Juan Capistrano); PubMed 26295337 (cited by Quest Diagnostics Nichols Institute San Juan Capistrano).